The following is an entry in ClinVar:

NM_024312.5(GNPTAB):c.1567T>C (p.Cys523Arg)

Gene: GNPTAB (N-acetylglucosamine-1-phosphate transferase subunits alpha and beta; minus strand). Cytogenetic location: 12q23.2.
Variant type: single nucleotide variant.
Coding change: c.1567T>C on transcript NM_024312.5 (MANE Select); coding-DNA position 1567, T replaced by C.
Protein change: p.Cys523Arg; replaces cysteine 523 with arginine.
Molecular consequence: missense variant.
Genome position (GRCh38, 1-based): chr12:101,766,136, A>G on the plus strand (T>C on the coding strand, the complement: GNPTAB is on the minus strand). VCF-style: chr12-101766136-A-G. GRCh37 (hg19) VCF-style: chr12-102159914-A-G.
Other names: short protein forms C523R.
Identifiers: ClinVar variation 1323027 (VCV001323027.7), dbSNP rs2137119014, ClinGen allele CA386301117.

ClinVar aggregate classification (germline): Pathogenic/Likely pathogenic. Review status: criteria provided, multiple submitters, no conflicts (2 of 4 stars). 3 submissions from 3 submitters: Pathogenic (2); Likely pathogenic (1). Last evaluated 2025-05-05.

Conditions:
Mucolipidosis type II. Also called: ML II ALPHA/BETA; Mucolipidosis 2; ML 2; Inclusion cell disease; Leroy Disease; N-acetylglucosamine 1phosphotransferase deficiency. Identifiers: Orphanet 576, MedGen C2673377, MONDO:0009650, OMIM 252500.
Pseudo-Hurler polydystrophy. Also called: Type III Mucolipidosis; ML IIIA; ML III; ML III ALPHA/BETA; Mucolipidosis III Alpha/Beta; MUCOLIPIDOSIS IIIA. Identifiers: Orphanet 423461, Orphanet 577, MedGen C0033788, MONDO:0018931, OMIM 252600.

gnomAD v4.1: 2 of 1,614,156 alleles (0.00012%); highest among the groups gnomAD compares: Non-Finnish European, 0.00017%; no homozygotes.

Submissions (3):

Medical Molecular Genetics Department, Human Genetics and Genome Research Division, National Research Centre
Classification: Pathogenic for Mucolipidosis type II. Last evaluated: 2025-05-05. Review status: criteria provided, single submitter. Criteria: ACMG Guidelines, 2015. Collection method: clinical testing. Allele origin: germline. Affected: yes. Observed: 1 variant allele.

Revvity Omics, Revvity
Classification: Pathogenic. Last evaluated: 2021-07-09. Review status: criteria provided, single submitter. Criteria: ACMG Guidelines, 2015. Collection method: clinical testing. Allele origin: germline.

Juno Genomics, Hangzhou Juno Genomics, Inc
Classification: Likely pathogenic for Mucolipidosis type II; Pseudo-Hurler polydystrophy. Review status: criteria provided, single submitter. Criteria: ACMG Guidelines, 2015. Collection method: clinical testing. Allele origin: germline.
Comment: Absent from controls (or at extremely low frequency if recessive) in Genome Aggregation Database.;Well-established in vitro or in vivo functional studies supportive of a damaging effect on the gene or gene product.;For recessive disorders, detected in trans with a pathogenic variant.;Patient's phenotype or family history is highly specific for a disease with a single genetic etiology.

Literature cited by the submitters: PubMed 25505245 (cited by Medical Molecular Genetics Department, Human Genetics and Genome Research Division, National Research Centre).